The following is an entry in ClinVar:

NM_004551.3(NDUFS3):c.75G>A (p.Gly25=)

Gene: NDUFS3 (NADH:ubiquinone oxidoreductase core subunit S3; plus strand). Cytogenetic location: 11p11.2.
Variant type: single nucleotide variant.
Coding change: c.75G>A on transcript NM_004551.3 (MANE Select); coding-DNA position 75, G replaced by A.
Protein change: p.Gly25=; no amino-acid change (glycine 25 retained).
Molecular consequence: synonymous variant.
Genome position (GRCh38, 1-based): chr11:47,579,276, G>A. VCF-style: chr11-47579276-G-A. GRCh37 (hg19) VCF-style: chr11-47600828-G-A.
Identifiers: ClinVar variation 4823688 (VCV004823688.4).

ClinVar aggregate classification (germline): Likely benign (1 of 4 stars; one submission).

Submission:

CeGaT Center for Human Genetics Tuebingen
Classification: Likely benign. Last evaluated: 2026-03-01. Review status: criteria provided, single submitter. Criteria: CeGaT Center For Human Genetics Tuebingen Variant Classification Criteria Version 2. Collection method: clinical testing. Allele origin: germline. Affected: yes. Observed: 1 variant allele.
Comment: NDUFS3: BP4, BP7